The following is an entry in ClinVar:

NM_001999.4(FBN2):c.7860G>A (p.Gly2620=)

Gene: FBN2 (fibrillin 2; minus strand). Cytogenetic location: 5q23.3.
Variant type: single nucleotide variant.
Coding change: c.7860G>A on transcript NM_001999.4 (MANE Select); coding-DNA position 7860, G replaced by A.
Protein change: p.Gly2620=; no amino-acid change (glycine 2620 retained).
Molecular consequence: synonymous variant.
Genome position (GRCh38, 1-based): chr5:128,272,099, C>T on the plus strand (G>A on the coding strand, the complement: FBN2 is on the minus strand). VCF-style: chr5-128272099-C-T. GRCh37 (hg19) VCF-style: chr5-127607791-C-T.
Identifiers: ClinVar variation 1760922 (VCV001760922.11), dbSNP rs772818240, ClinGen allele CA3393987.

ClinVar aggregate classification (germline): Likely benign. Review status: criteria provided, multiple submitters, no conflicts (2 of 4 stars). 3 submissions from 3 submitters: Likely benign (3). Last evaluated 2025-09-01.

Conditions:
Familial thoracic aortic aneurysm and aortic dissection (TAAD). Also called: Thoracic aortic aneurysms and dissections. Identifiers: Orphanet 91387, MedGen C4707243, MONDO:0019625.

Submissions (3):

CeGaT Center for Human Genetics Tuebingen
Classification: Likely benign. Last evaluated: 2025-09-01. Review status: criteria provided, single submitter. Criteria: CeGaT Center For Human Genetics Tuebingen Variant Classification Criteria Version 2. Collection method: clinical testing. Allele origin: germline. Affected: yes. Observed: 1 variant allele.
Comment: FBN2: BP4, BP7

Blueprint Genetics
Classification: Likely benign. Last evaluated: 2023-05-18. Review status: criteria provided, single submitter. Criteria: ACMG Guidelines, 2015. Collection method: clinical testing. Allele origin: germline.

Ambry Genetics
Classification: Likely benign for Familial thoracic aortic aneurysm and aortic dissection. Last evaluated: 2020-11-17. Review status: criteria provided, single submitter. Criteria: Ambry Variant Classification Scheme 2023. Collection method: clinical testing. Allele origin: germline.